The following is an entry in ClinVar:

ClinVar aggregate classification (germline): Uncertain significance (1 of 4 stars; one submission).

Conditions:
Hereditary cancer-predisposing syndrome. Also called: Neoplastic Syndromes, Hereditary; Tumor predisposition; Hereditary Cancer Syndrome; Hereditary neoplastic syndrome. Identifiers: Orphanet 140162, MedGen C0027672, MeSH D009386, MONDO:0015356.

gnomAD v4.1: 1 of 1,613,936 alleles (0.000062%); no homozygotes.

Submission:

Ambry Genetics
Classification: Uncertain significance for Hereditary cancer-predisposing syndrome. Last evaluated: 2026-06-02. Review status: criteria provided, single submitter. Criteria: Ambry Variant Classification Scheme 2023. Collection method: clinical testing. Allele origin: germline.
Comment: The p.A130G variant (also known as c.389C>G), located in coding exon 3 of the SMARCA4 gene, results from a C to G substitution at nucleotide position 389. The alanine at codon 130 is replaced by glycine, an amino acid with similar properties. This amino acid position is conserved. In addition, this alteration is predicted to be tolerated by in silico analysis. Based on the available evidence, the clinical significance of this variant remains unclear.

NM_003072.5(SMARCA4):c.389C>G (p.Ala130Gly)

Gene: SMARCA4 (SWI/SNF related BAF chromatin remodeling complex subunit ATPase 4; plus strand). Cytogenetic location: 19p13.2.
Variant type: single nucleotide variant.
Coding change: c.389C>G on transcript NM_003072.5 (MANE Select); coding-DNA position 389, C replaced by G.
Protein change: p.Ala130Gly; replaces alanine 130 with glycine.
Molecular consequence: missense variant. On other transcripts: non-coding transcript variant (1).
Genome position (GRCh38, 1-based): chr19:10,986,222, C>G. VCF-style: chr19-10986222-C-G. GRCh37 (hg19) VCF-style: chr19-11096898-C-G.
Other names: c.389C>G, p.Ala130Gly (NM_001128844.3, NM_001128845.2, NM_001128846.2 and 6 more transcripts); short protein forms A130G.
Identifiers: ClinVar variation 4864800 (VCV004864800.1).